The following is an entry in ClinVar:

ClinVar aggregate classification (germline): Uncertain significance (1 of 4 stars; one submission).

Submission:

Labcorp Genetics (formerly Invitae), Labcorp
Classification: Uncertain significance. Last evaluated: 2023-10-10. Review status: criteria provided, single submitter. Criteria: Invitae Variant Classification Sherloc (09022015). Collection method: clinical testing. Allele origin: germline.
Comment: This sequence change replaces leucine, which is neutral and non-polar, with phenylalanine, which is neutral and non-polar, at codon 461 of the MYH3 protein (p.Leu461Phe). This variant is not present in population databases (gnomAD no frequency). This variant has not been reported in the literature in individuals affected with MYH3-related conditions. Advanced modeling of protein sequence and biophysical properties (such as structural, functional, and spatial information, amino acid conservation, physicochemical variation, residue mobility, and thermodynamic stability) has been performed at Invitae for this missense variant, however the output from this modeling did not meet the statistical confidence thresholds required to predict the impact of this variant on MYH3 protein function. In summary, the available evidence is currently insufficient to determine the role of this variant in disease. Therefore, it has been classified as a Variant of Uncertain Significance.

NM_002470.4(MYH3):c.1383G>C (p.Leu461Phe)

Gene: MYH3 (myosin heavy chain 3; minus strand). Cytogenetic location: 17p13.1.
Variant type: single nucleotide variant.
Coding change: c.1383G>C on transcript NM_002470.4 (MANE Select); coding-DNA position 1383, G replaced by C.
Protein change: p.Leu461Phe; replaces leucine 461 with phenylalanine.
Molecular consequence: missense variant.
Genome position (GRCh38, 1-based): chr17:10,644,378, C>G on the plus strand (G>C on the coding strand, the complement: MYH3 is on the minus strand). VCF-style: chr17-10644378-C-G. GRCh37 (hg19) VCF-style: chr17-10547695-C-G.
Other names: short protein forms L461F.
Identifiers: ClinVar variation 2764994 (VCV002764994.3), dbSNP rs2508619824, ClinGen allele CA398174659.